The following is an entry in ClinVar:

NM_000202.8(IDS):c.979A>C (p.Thr327Pro)

Genes: IDS (iduronate 2-sulfatase; minus strand), LOC106050102 (IDS recombination region; plus strand). Cytogenetic location: Xq28.
Variant type: single nucleotide variant.
Coding change: c.979A>C on transcript NM_000202.8 (MANE Select); coding-DNA position 979, A replaced by C.
Protein change: p.Thr327Pro; replaces threonine 327 with proline.
Molecular consequence: missense variant. On other transcripts: non-coding transcript variant (1).
Genome position (GRCh38, 1-based): chrX:149,490,341, T>G on the plus strand (A>C on the coding strand, the complement: IDS is on the minus strand). VCF-style: chrX-149490341-T-G. GRCh37 (hg19) VCF-style: chrX-148571872-T-G.
Other names: c.709A>C, p.Thr237Pro (NM_001166550.4); c.979A>C, p.Thr327Pro (NM_006123.5); short protein forms T237P, T327P.
Identifiers: ClinVar variation 3255895 (VCV003255895.2).
Genomic context (GRCh38, chrX:149,490,341, plus strand): 5'-TTTTGACTCACCAGGGAATTTCAAAATGCTTACCATGATCCGAGGTAAATGCAATGATGG[T>G]GCTGTTGGCCAGCTGAAGATCGTCCAAAGCACTCAAGAGGCGGCCGACCTGTGTATCCAA-3'
Protein context (NP_000193.1, residues 317-337): ALDDLQLANS[Thr327Pro]IIAFTSDHGW

ClinVar aggregate classification (germline): Likely pathogenic (1 of 4 stars; one submission).

Conditions:
Mucopolysaccharidosis, MPS-II (MPS2). Also called: Hunter Syndrome; IDURONATE 2-SULFATASE DEFICIENCY; Mucopolysaccharidosis Type II; Mucopolysaccharidosis type 2; Attenuated MPS (subtype; formerly known as mild MPS II); Severe MPS II. Identifiers: Orphanet 580, Orphanet 79388, MedGen C0026705, MONDO:0010674, OMIM 309900.

Submission:

Laboratory of Diagnosis and Therapy of Lysosomal Disorders, University of Padova
Classification: Likely pathogenic for Mucopolysaccharidosis, MPS-II. Last evaluated: 2024-06-07. Review status: criteria provided, single submitter. Criteria: ACMG Guidelines, 2015. Collection method: literature only. Allele origin: germline. Affected: yes. Observed: 1 variant allele.
Comment: Absent from controls (or at low frequency) in gnomAD database (PM2_Moderate), Missense variant in a gene with a low rate of benign missense variation (PP2_Supporting), Multiple lines of computational evidence support a deleterious effect (PP3_Supporting), Patient’s phenotype or family history highly specific for the disease (PP4_Moderate)

Classification method: ACMG Guidelines [PMID:25741868] with modifications

Literature cited by the submitters: PubMed 35916809.